The following is an entry in ClinVar:

Conditions:
Long QT syndrome 5 (LQT5). Identifiers: Orphanet 101016, Orphanet 768, MedGen C1867904, MONDO:0013372, OMIM 613695.

Submission:

Roden Lab, Vanderbilt University Medical Center
No classification provided (evidence only). Condition: Long QT syndrome 5. Review status: no classification provided. Collection method: in vitro. Allele origin: not applicable. Functional consequence: Effect on ion channel function.
ClinVar note: "not provided" was previously submitted as the classification for the variant. However, the classification appeared to be based only on an observation of functional data so it was converted to no classification on 2025-07-30.

NM_000219.6(KCNE1):c.298C>G (p.Leu100Val)

Gene: KCNE1 (potassium voltage-gated channel subfamily E regulatory subunit 1; minus strand). Cytogenetic location: 21q22.12.
Variant type: single nucleotide variant.
Coding change: c.298C>G on transcript NM_000219.6 (MANE Select); coding-DNA position 298, C replaced by G.
Protein change: p.Leu100Val; replaces leucine 100 with valine.
Molecular consequence: missense variant.
Genome position (GRCh38, 1-based): chr21:34,449,337, G>C on the plus strand (C>G on the coding strand, the complement: KCNE1 is on the minus strand). VCF-style: chr21-34449337-G-C. GRCh37 (hg19) VCF-style: chr21-35821635-G-C.
Other names: c.298C>G, p.Leu100Val (NM_001127668.4, NM_001127669.4, NM_001127670.4 and 4 more transcripts); short protein forms L100V.
Identifiers: ClinVar variation 3374567 (VCV003374567.2).